The following is an entry in ClinVar:

NM_006421.5(ARFGEF1):c.2428G>A (p.Glu810Lys)

Gene: ARFGEF1 (ARF guanine nucleotide exchange factor 1; minus strand). Cytogenetic location: 8q13.2.
Variant type: single nucleotide variant.
Coding change: c.2428G>A on transcript NM_006421.5 (MANE Select); coding-DNA position 2428, G replaced by A.
Protein change: p.Glu810Lys; replaces glutamic acid 810 with lysine.
Molecular consequence: missense variant. On other transcripts: non-coding transcript variant (1).
Genome position (GRCh38, 1-based): chr8:67,258,098, C>T on the plus strand (G>A on the coding strand, the complement: ARFGEF1 is on the minus strand). VCF-style: chr8-67258098-C-T. GRCh37 (hg19) VCF-style: chr8-68170333-C-T.
Other names: c.2428G>A, p.Glu810Lys (NM_001413184.1, NM_001413185.1, NM_001413186.1 and 7 more transcripts); c.1828G>A, p.Glu610Lys (NM_001413188.1, NM_001413193.1, NM_001413197.1); c.1003G>A, p.Glu335Lys (NM_001413196.1); short protein forms E335K, E610K, E810K.
Identifiers: ClinVar variation 3370933 (VCV003370933.1).

ClinVar aggregate classification (germline): Uncertain significance (1 of 4 stars; one submission).

gnomAD v4.1: 1 of 1,612,986 alleles (0.000062%); highest among the groups gnomAD compares: Non-Finnish European, 0.000085%; no homozygotes.

Submission:

GeneDx
Classification: Uncertain significance. Last evaluated: 2024-03-14. Review status: criteria provided, single submitter. Criteria: GeneDx Variant Classification Process June 2021. Collection method: clinical testing. Allele origin: germline. Affected: yes.
Comment: Not observed at significant frequency in large population cohorts (gnomAD); In silico analysis supports that this missense variant has a deleterious effect on protein structure/function; Has not been previously published as pathogenic or benign to our knowledge